The following is an entry in ClinVar:

NM_012210.4(TRIM32):c.650_657del (p.Asn217fs)

Genes: ASTN2 (astrotactin 2; minus strand), TRIM32 (tripartite motif containing 32; plus strand). Cytogenetic location: 9q33.1.
Variant type: Deletion.
Coding change: c.650_657del on transcript NM_012210.4 (MANE Select); coding-DNA positions 650 to 657, 8 bases deleted (ATAGTCAA; older notation c.650_657delATAGTCAA).
Protein change: p.Asn217fs; shifts the reading frame from asparagine 217.
Molecular consequence: frameshift variant. On other transcripts: intron variant (3).
Genome position (GRCh38, 1-based): chr9:116,698,392-116,698,399, ATAGTCAA deleted; deleting any 8 consecutive bases within chr9:116,698,391-116,698,399 gives the same sequence; the c. name uses the placement nearest the transcript's 3' end. VCF-style (leftmost placement, unchanged base first): chr9-116698390-CAATAGTCA-C. GRCh37 (hg19) VCF-style: chr9-119460669-CAATAGTCA-C.
Other names: c.650_657delATAGTCAA (NM_012210.4); c.650_657del, p.Asn217fs (NM_001099679.2, NM_001379048.1, NM_001379049.1 and 1 more transcripts); c.2653+27373_2653+27380del (NM_014010.5); c.2794+27373_2794+27380del (NM_001365069.1); c.2806+27373_2806+27380del (NM_001365068.1); short protein forms N217fs.
Identifiers: ClinVar variation 4845925 (VCV004845925.1).

ClinVar aggregate classification (germline): Likely pathogenic (1 of 4 stars; one submission).

Conditions:
Sarcotubular myopathy (LGMDR8). Also called: Hutterite type of muscular dystrophy; MUSCULAR DYSTROPHY, LIMB-GIRDLE, AUTOSOMAL RECESSIVE 8; Autosomal recessive limb-girdle muscular dystrophy type 2H; Limb-girdle muscular dystrophy, type 2H. Identifiers: Orphanet 1878, MedGen C0270968, MONDO:0009683, OMIM 254110.
Bardet-Biedl syndrome 11 (BBS11). Identifiers: Orphanet 110, MedGen C1859569, MONDO:0014439, OMIM 615988.

Submission:

First Genomix Gene Laboratory, Genetic Diagnostics Department
Classification: Likely pathogenic for Bardet-Biedl syndrome 11; Sarcotubular myopathy. Last evaluated: 2025-04-30. Review status: criteria provided, single submitter. Criteria: ACMG Guidelines, 2015. Collection method: clinical testing. Allele origin: germline. Inheritance: Autosomal recessive inheritance. Affected: no. Observed: 1 variant allele.